The following is an entry in ClinVar:

NM_000535.7(PMS2):c.1715C>T (p.Ala572Val)

Gene: PMS2 (PMS1 homolog 2, mismatch repair system component; minus strand). Cytogenetic location: 7p22.1.
Variant type: single nucleotide variant.
Coding change: c.1715C>T on transcript NM_000535.7 (MANE Select); coding-DNA position 1715, C replaced by T.
Protein change: p.Ala572Val; replaces alanine 572 with valine.
Molecular consequence: missense variant. On other transcripts: non-coding transcript variant (1).
Genome position (GRCh38, 1-based): chr7:5,987,050, G>A on the plus strand (C>T on the coding strand, the complement: PMS2 is on the minus strand). VCF-style: chr7-5987050-G-A. GRCh37 (hg19) VCF-style: chr7-6026681-G-A.
Other names: c.1310C>T, p.Ala437Val (NM_001322003.2, NM_001322004.2, NM_001322005.2 and 1 more transcripts); c.1559C>T, p.Ala520Val (NM_001322006.2); c.1397C>T, p.Ala466Val (NM_001322007.2, NM_001322008.2); c.1154C>T, p.Ala385Val (NM_001322010.2); c.782C>T, p.Ala261Val (NM_001322011.2, NM_001322012.2); c.1142C>T, p.Ala381Val (NM_001322013.2); c.1715C>T, p.Ala572Val (NM_001322014.2); c.1406C>T, p.Ala469Val (NM_001322015.2); short protein forms A572V, A381V, A466V, A385V, A437V, A469V, A520V, A261V.
Identifiers: ClinVar variation 187471 (VCV000187471.40), dbSNP rs770625733, ClinGen allele CA010152.
Genomic context (GRCh38, chr7:5,987,050, plus strand): 5'-TGACAAATGTCAGAACTGGAAAGAATTTCTTCTTTTTTAAAACGCTTTGTGTTTGGGGTT[G>A]CGAGATTAGTTGGCTGAGGCAAAACTCGAAATTTACATCCGGTATCTTCCTGGTTTGAAT-3'
Protein context (NP_000526.2, residues 562-582): FRVLPQPTNL[Ala572Val]TPNTKRFKKE

ClinVar aggregate classification (germline): Conflicting classifications of pathogenicity. Review status: criteria provided, conflicting classifications (1 of 4 stars). 11 submissions from 11 submitters: Uncertain significance (9); Benign (1); Likely benign (1). Last evaluated 2026-01-05.

Conditions:
PMS2-related disorder. Also called: PMS2-related condition.
Hereditary nonpolyposis colorectal neoplasms. Identifiers: MedGen C0009405, MeSH D003123.
Hereditary cancer-predisposing syndrome. Also called: Neoplastic Syndromes, Hereditary; Tumor predisposition; Hereditary neoplastic syndrome; Hereditary Cancer Syndrome. Identifiers: Orphanet 140162, MedGen C0027672, MeSH D009386, MONDO:0015356.
Lynch syndrome. Identifiers: Orphanet 144, MedGen C4552100, MONDO:0005835. Disease mechanism: loss of function.
Lynch syndrome 4 (LYNCH4). Also called: Colorectal cancer, hereditary nonpolyposis, type 4; Hereditary non-polyposis colorectal cancer, type 4. Identifiers: Orphanet 144, MedGen C1838333, MONDO:0013699, OMIM 614337. Disease mechanism: loss of function.

Allele frequency attached by ClinVar (database versions not stated): gnomAD exomes 0.00001; ExAC 0.00002.
gnomAD v4.1: 12 of 1,614,180 alleles (0.00074%); highest among the groups gnomAD compares: Middle Eastern, 0.016%; no homozygotes.

Submissions (11):

PreventionGenetics, part of Exact Sciences
Classification: Uncertain significance for PMS2-related condition. Last evaluated: 2026-01-05. Review status: criteria provided, single submitter. Criteria: ACMG Guidelines, 2015. Collection method: clinical testing. Allele origin: germline.
Comment: The PMS2 c.1715C>T variant is predicted to result in the amino acid substitution p.Ala572Val. This variant has been reported in individuals with suspected Lynch syndrome (Table S2, Yurgelun et al. 2015. PubMed ID: 25980754), colorectal cancer (eTable 2, Pearlman et al. 2017. PubMed ID: 27978560), and breast cancer (Supplementary Table, Tung et al. 2015. PubMed ID: 25186627; Supplementary Table, Breast Cancer Association Consortium et al. 2021. PubMed ID: 33471991). This variant is reported in 0.0018% of alleles in individuals of European (Non-Finnish) descent in gnomAD and has interpretations of uncertain significance and likely benign in ClinVar (Variation ID: 187471). At this time, the clinical significance of this variant is uncertain due to the absence of conclusive functional and genetic evidence.

Dasa
Classification: Uncertain significance. Last evaluated: 2025-12-22. Review status: criteria provided, single submitter. Criteria: DASA Assertion Criteria. Collection method: clinical testing. Allele origin: germline.
Comment: NM_000535.7(PMS2):c.1715C>T (p.Ala572Val) is a missense variant that results in the substitution of alanine with valine. This variant is rare in population databases. The currently available literature and clinical evidence are not sufficient to establish a definitive association between this variant and the reported condition. Therefore, this variant is classified as a variant of uncertain significance.

Labcorp Genetics (formerly Invitae), Labcorp
Classification: Benign for Hereditary nonpolyposis colorectal neoplasms. Last evaluated: 2025-11-26. Review status: criteria provided, single submitter. Criteria: Invitae Variant Classification Sherloc (09022015). Collection method: clinical testing. Allele origin: germline.

Center for Genomic Medicine, Rigshospitalet, Copenhagen University Hospital
Classification: Uncertain significance. Last evaluated: 2025-03-04. Review status: criteria provided, single submitter. Criteria: ACMG Guidelines, 2015. Collection method: clinical testing. Allele origin: germline.

Ambry Genetics
Classification: Likely benign for Hereditary cancer-predisposing syndrome. Last evaluated: 2024-12-30. Review status: criteria provided, single submitter. Criteria: Ambry Variant Classification Scheme 2023. Collection method: clinical testing. Allele origin: germline.

Blueprint Genetics
Classification: Uncertain significance. Last evaluated: 2024-09-26. Review status: criteria provided, single submitter. Criteria: ACMG Guidelines, 2015. Collection method: clinical testing. Allele origin: germline.

Color Diagnostics, LLC DBA Color Health
Classification: Uncertain significance for Hereditary cancer-predisposing syndrome. Last evaluated: 2024-05-09. Review status: criteria provided, single submitter. Criteria: ACMG Guidelines, 2015. Collection method: clinical testing. Allele origin: germline.
Comment: This missense variant replaces alanine with valine at codon 572 of the PMS2 protein. Computational prediction suggests that this variant may not impact protein structure and function (internally defined REVEL score threshold <= 0.5, PMID: 27666373). To our knowledge, functional studies have not been reported for this variant. This variant has been reported in individuals affected with breast cancer (PMID: 25186627, 33471991), early onset colorectal cancer (PMID: 27978560), and suspected Lynch syndrome (PMID: 25980754). This variant has been identified in 2/251350 chromosomes in the general population by the Genome Aggregation Database (gnomAD). The available evidence is insufficient to determine the role of this variant in disease conclusively. Therefore, this variant is classified as a Variant of Uncertain Significance.

GeneDx
Classification: Uncertain significance. Last evaluated: 2024-02-27. Review status: criteria provided, single submitter. Criteria: GeneDx Variant Classification Process June 2021. Collection method: clinical testing. Allele origin: germline. Affected: yes.
Comment: Not observed at significant frequency in large population cohorts (gnomAD); In silico analysis supports that this missense variant does not alter protein structure/function; Observed in individuals with colorectal, breast, and other cancers (PMID: 25980754, 27978560, 25186627, 33471991); This variant is associated with the following publications: (PMID: 25980754, 27978560, 25186627, 33471991)

Women's Health and Genetics/Laboratory Corporation of America, LabCorp
Classification: Uncertain significance. Last evaluated: 2023-12-18. Review status: criteria provided, single submitter. Criteria: LabCorp Variant Classification Summary - May 2015. Collection method: clinical testing. Allele origin: germline.
Comment: Variant summary: PMS2 c.1715C>T (p.Ala572Val) results in a non-conservative amino acid change in the encoded protein sequence. Four of five in-silico tools predict a benign effect of the variant on protein function. The variant allele was found at a frequency of 8e-06 in 251350 control chromosomes (gnomAD). The available data on variant occurrences in the general population are insufficient to allow any conclusion about variant significance. c.1715C>T has been reported in the literature in individuals affected with Colorectal Cancer or suspected of Lynch Syndrome (example: Pearlman_2017 and Yurgelun_2015). These report(s) do not provide unequivocal conclusions about association of the variant with Lynch Syndrome. To our knowledge, no experimental evidence demonstrating an impact on protein function has been reported. The following publications have been ascertained in the context of this evaluation (PMID: 27978560, 25980754). Seven submitters have cited clinical-significance assessments for this variant to ClinVar after 2014. All submitters classified the variant as uncertain significance. Based on the evidence outlined above, the variant was classified as uncertain significance.

All of Us Research Program, National Institutes of Health
Classification: Uncertain significance for Lynch syndrome. Last evaluated: 2023-11-30. Review status: criteria provided, single submitter. Criteria: ACMG Guidelines, 2015. Collection method: clinical testing. Allele origin: germline. Inheritance: Autosomal dominant inheritance. Observed: 5 variant alleles, 5 heterozygotes.
Comment: This missense variant replaces alanine with valine at codon 572 of the PMS2 protein. Computational prediction suggests that this variant may not impact protein structure and function (internally defined REVEL score threshold <= 0.5, PMID: 27666373). Splice site prediction tools suggest that this variant may not impact RNA splicing. To our knowledge, functional studies have not been performed for this variant. This variant has been reported in individuals affected with Lynch syndrome and colorectal cancer in the literature (PMID 25980754, 27978560). This variant has been identified in 2/251350 chromosomes in the general population by the Genome Aggregation Database (gnomAD). The available evidence is insufficient to determine the role of this variant in disease conclusively. Therefore, this variant is classified as a Variant of Uncertain Significance.

This study involves interpretation of variants in research participants for the purpose of population health screening. Participant phenotype was not available at the time of variant classification. Additional details can be found in publication PMID: 35346344, PMCID: PMC8962531

Sema4
Classification: Uncertain significance for Hereditary cancer-predisposing syndrome. Last evaluated: 2021-11-01. Review status: criteria provided, single submitter. Criteria: Sema4 Curation Guidelines. Collection method: curation. Allele origin: germline.
Comment: The PMS2 c.1715C>T (p.A572V) missense variant has been reported in at least 3 individuals with breast and colorectal cancer (PMIDs 25186627, 25980754, 27978560). It is reported in 1 breast cancer case in a large dataset of 60,466 women with breast cancer but not in 53,461 controls, suggesting that it is not significantly enriched in cases vs controls (PMID 33471991). This variant was observed in 2/113688 chromosomes in the Non-Finnish European population according to the Genome Aggregation Database (PMID: PMID: 32461654). This variant has been reported in ClinVar (Variation ID 187471). Functional studies have not been performed, and in silico predictions of the variant's effect on protein function are inconclusive. The overall evidence is insufficient to meet ACMG/AMP criteria for classifying it as benign or pathogenic. In summary, the clinical significance of this variant is currently uncertain.

Literature cited by the submitters: PubMed 27978560 (cited by 4 submitters); PubMed 25186627 (cited by Ambry Genetics and Color Diagnostics, LLC DBA Color Health); PubMed 25980754 (cited by 3 submitters); PubMed 38874686 (cited by Ambry Genetics); PubMed 33471991 (cited by Color Diagnostics, LLC DBA Color Health and Sema4).